The following is an entry in ClinVar:

NM_000383.4(AIRE):c.607C>T (p.Arg203Ter)

Gene: AIRE (autoimmune regulator; plus strand). Cytogenetic location: 21q22.3.
Variant type: single nucleotide variant.
Coding change: c.607C>T on transcript NM_000383.4 (MANE Select); coding-DNA position 607, C replaced by T.
Protein change: p.Arg203Ter; replaces arginine 203 with a stop codon.
Molecular consequence: nonsense.
Genome position (GRCh38, 1-based): chr21:44,288,413, C>T. VCF-style: chr21-44288413-C-T. GRCh37 (hg19) VCF-style: chr21-45708296-C-T.
Other names: short protein forms R203*.
Identifiers: ClinVar variation 848152 (VCV000848152.12), dbSNP rs755490967, ClinGen allele CA10051639.

ClinVar aggregate classification (germline): Pathogenic/Likely pathogenic. Review status: criteria provided, multiple submitters, no conflicts (2 of 4 stars). 4 submissions from 4 submitters: Pathogenic (3); Likely pathogenic (1). Last evaluated 2025-09-10.

Conditions:
Polyglandular autoimmune syndrome, type 1 (APS1). Also called: APS I; PGA I; Autoimmune polyendocrine syndrome type 1; Autoimmune polyendocrinopathy syndrome , type I, with or without reversible metaphyseal dysplasia; HYPOADRENOCORTICISM WITH HYPOPARATHYROIDISM AND SUPERFICIAL MONILIASIS; AUTOIMMUNE POLYENDOCRINE SYNDROME, TYPE I, WITH OR WITHOUT REVERSIBLE METAPHYSEAL DYSPLASIA. Identifiers: Orphanet 3453, MedGen C0085859, MONDO:0009411, OMIM 240300.

Allele frequency attached by ClinVar (database versions not stated): gnomAD exomes below 0.00001; ExAC 0.00001; gnomAD 0.00002 and 0.00003; TOPMed 0.00002.
gnomAD v4.1: 14 of 1,612,570 alleles (0.00087%); highest among the groups gnomAD compares: East Asian, 0.0022%; 1 homozygote.

Submissions (4):

Genomic Medicine Center of Excellence, King Faisal Specialist Hospital and Research Centre
Classification: Likely pathogenic for Polyglandular autoimmune syndrome, type 1. Last evaluated: 2025-09-10. Review status: criteria provided, single submitter. Criteria: ACMG Guidelines, 2015. Collection method: clinical testing. Allele origin: germline.

Natera, Inc.
Classification: Pathogenic for Polyglandular autoimmune syndrome type 1. Last evaluated: 2025-04-10. Review status: criteria provided, single submitter. Criteria: Natera Variant Classification Schema (03/2026). Collection method: clinical testing. Allele origin: germline.
Comment: The c.607C>T variant in AIRE is a nonsense variant predicted to introduce a stop codon at amino acid 203. This variant is expected to result in nonsense mediated decay, truncation, or a dysfunctional protein product. This variant is rare in the general population with a frequency below the threshold expected for the associated phenotype(s). This variant has been observed in one or more individuals affected with the associated recessive disease, as either homozygous or compound heterozygous with a second variant (PMID: 21295522, 32441320). Additionally, this variant has been observed to segregate in affected family members (PMID: 21295522). Given the available evidence, this variant is classified as Pathogenic.

Labcorp Genetics (formerly Invitae), Labcorp
Classification: Pathogenic for Polyglandular autoimmune syndrome, type 1. Last evaluated: 2024-06-16. Review status: criteria provided, single submitter. Criteria: Invitae Variant Classification Sherloc (09022015). Collection method: clinical testing. Allele origin: germline.
Comment: This sequence change creates a premature translational stop signal (p.Arg203*) in the AIRE gene. It is expected to result in an absent or disrupted protein product. Loss-of-function variants in AIRE are known to be pathogenic (PMID: 11524731, 26141571). This variant is present in population databases (rs755490967, gnomAD 0.003%). This premature translational stop signal has been observed in individual(s) with autosomal recessive autoimmune polyendocrinopathy syndrome (PMID: 9717837, 10677297, 12050215, 18274776, 22024611). In at least one individual the data is consistent with being in trans (on the opposite chromosome) from a pathogenic variant. ClinVar contains an entry for this variant (Variation ID: 848152). Algorithms developed to predict the effect of sequence changes on RNA splicing suggest that this variant may disrupt the consensus splice site. For these reasons, this variant has been classified as Pathogenic.

Revvity Omics, Revvity
Classification: Pathogenic for Polyglandular autoimmune syndrome, type 1. Last evaluated: 2024-04-23. Review status: criteria provided, single submitter. Criteria: ACMG Guidelines, 2015. Collection method: clinical testing. Allele origin: germline.

Literature cited by the submitters: PubMed 21295522 (cited by Natera, Inc.); PubMed 32441320 (cited by Natera, Inc.); PubMed 11524731 (cited by Labcorp Genetics (formerly Invitae), Labcorp); PubMed 26141571 (cited by Labcorp Genetics (formerly Invitae), Labcorp); PubMed 9717837 (cited by Labcorp Genetics (formerly Invitae), Labcorp); PubMed 10677297 (cited by Labcorp Genetics (formerly Invitae), Labcorp); PubMed 12050215 (cited by Labcorp Genetics (formerly Invitae), Labcorp); PubMed 18274776 (cited by Labcorp Genetics (formerly Invitae), Labcorp); PubMed 22024611 (cited by Labcorp Genetics (formerly Invitae), Labcorp).